The following is an entry in ClinVar:

NM_001903.5(CTNNA1):c.2621_2624dup (p.Asp876fs)

Gene: CTNNA1 (catenin alpha 1; plus strand). Cytogenetic location: 5q31.2.
Variant type: Duplication.
Coding change: c.2621_2624dup on transcript NM_001903.5 (MANE Select); coding-DNA positions 2621 to 2624, 4 bases duplicated (AACA; older notation c.2621_2624dupAACA).
Protein change: p.Asp876fs; shifts the reading frame from aspartic acid 876.
Molecular consequence: frameshift variant. On other transcripts: 3 prime UTR variant (5).
Genome position (GRCh38, 1-based): chr5:138,933,989-138,933,992, AACA duplicated; duplicating any 4 consecutive bases within chr5:138,933,988-138,933,992 gives the same sequence; the c. name uses the placement nearest the transcript's 3' end. VCF-style (leftmost placement, unchanged base first): chr5-138933987-G-GAAAC. GRCh37 (hg19) VCF-style: chr5-138269676-G-GAAAC.
Other names: c.*166_*169dup (NM_001290307.3, NM_001324002.1, NM_001324003.1 and 2 more transcripts); c.2312_2315dup, p.Asp773fs (NM_001290309.3); c.2252_2255dup, p.Asp753fs (NM_001290310.3); c.1511_1514dup, p.Asp506fs (NM_001290312.1, NM_001323987.1, NM_001323988.1 and 12 more transcripts); c.2621_2624dup, p.Asp876fs (NM_001323982.2, NM_001323983.1, NM_001323984.2); c.2594_2597dup, p.Asp867fs (NM_001323985.2); c.2528_2531dup, p.Asp845fs (NM_001323986.2); c.1376_1379dup, p.Asp461fs (NM_001324001.1); and 4 more; short protein forms D753fs, D867fs, D393fs, D425fs, D773fs, D876fs, D461fs, D475fs.
Identifiers: ClinVar variation 1957634 (VCV001957634.8), dbSNP rs758113491, ClinGen allele CA3432273.

ClinVar aggregate classification (germline): Uncertain significance. Review status: criteria provided, multiple submitters, no conflicts (2 of 4 stars). 3 submissions from 3 submitters: Uncertain significance (3). Last evaluated 2026-04-08.

Conditions:
CTNNA1-related diffuse gastric and lobular breast cancer syndrome. Identifiers: MedGen CN324029, MONDO:0100256.
Hereditary cancer-predisposing syndrome. Also called: Neoplastic Syndromes, Hereditary; Tumor predisposition; Hereditary Cancer Syndrome; Hereditary neoplastic syndrome. Identifiers: Orphanet 140162, MedGen C0027672, MeSH D009386, MONDO:0015356.

Submissions (3):

Ambry Genetics
Classification: Uncertain significance for Hereditary cancer-predisposing syndrome. Last evaluated: 2026-04-08. Review status: criteria provided, single submitter. Criteria: Ambry Variant Classification Scheme 2023. Collection method: clinical testing. Allele origin: germline.
Comment: The c.2621_2624dupAACA variant, located in coding exon 17 of the CTNNA1 gene, results from a duplication of AACA at nucleotide position 2621, causing a translational frameshift with a predicted alternate stop codon (p.D876Tfs*3). This alteration occurs at the 3' terminus of theCTNNA1 gene, is not expected to trigger nonsense-mediated mRNAdecay, and impacts the last 3.4% of the protein. Based on the available evidence, the clinical significance of this variant remains unclear.

Labcorp Genetics (formerly Invitae), Labcorp
Classification: Uncertain significance. Last evaluated: 2025-08-25. Review status: criteria provided, single submitter. Criteria: Invitae Variant Classification Sherloc (09022015). Collection method: clinical testing. Allele origin: germline.
Comment: This sequence change creates a premature translational stop signal (p.Asp876Thrfs*3) in the CTNNA1 gene. While this is not anticipated to result in nonsense mediated decay, it is expected to disrupt the last 31 amino acid(s) of the CTNNA1 protein. This variant is present in population databases (rs758113491, gnomAD 0.0009%). This variant has not been reported in the literature in individuals affected with CTNNA1-related conditions. ClinVar contains an entry for this variant (Variation ID: 1957634). Experimental studies and prediction algorithms are not available or were not evaluated, and the functional significance of this variant is currently unknown. In summary, the available evidence is currently insufficient to determine the role of this variant in disease. Therefore, it has been classified as a Variant of Uncertain Significance.

Institute for Genomic Medicine (IGM) Clinical Laboratory, Nationwide Children's Hospital
Classification: Uncertain significance for CTNNA1-related diffuse gastric and lobular breast cancer syndrome. Last evaluated: 2025-04-16. Review status: criteria provided, single submitter. Criteria: ACMG Guidelines, 2015. Collection method: clinical testing. Allele origin: germline.
Comment: This variant is predicted to result in loss of function through nonsense-mediated decay of the encoded transcript or premature truncation of the encoded protein in a gene in which loss of function is a known mechanism of disease (ACMG/AMP: PVS1_Moderate; PMID:30192042). This variant is absent from or present at an exceedingly low frequency in gnomAD, a large-scale control population database (ACMG/AMP: PM2).

Literature cited by the submitters: PubMed 30192042 (cited by Institute for Genomic Medicine (IGM) Clinical Laboratory, Nationwide Children's Hospital).